The following is an entry in ClinVar:

NM_018486.3(HDAC8):c.1005+5G>A

Gene: HDAC8 (histone deacetylase 8; minus strand). Cytogenetic location: Xq13.1.
Variant type: single nucleotide variant.
Coding change: c.1005+5G>A on transcript NM_018486.3 (MANE Select); 5 bases into the intron after coding-DNA position 1005, G replaced by A.
Molecular consequence: intron variant.
Genome position (GRCh38, 1-based): chrX:72,461,999, C>T on the plus strand (G>A on the coding strand, the complement: HDAC8 is on the minus strand). VCF-style: chrX-72461999-C-T. GRCh37 (hg19) VCF-style: chrX-71681849-C-T.
Other names: c.*90G>A (NM_001410729.1); c.732+5G>A (NM_001166418.2).
Identifiers: ClinVar variation 2030787 (VCV002030787.4), dbSNP rs2520355533, ClinGen allele CA2580101357.

ClinVar aggregate classification (germline): Uncertain significance (1 of 4 stars; one submission).

Conditions:
Cornelia de Lange syndrome 5 (CDLS5). Also called: HDAC8-Related Cornelia de Lange Syndrome. Identifiers: Orphanet 199, MedGen C3550903, MONDO:0010471, OMIM 300882.

Submission:

Labcorp Genetics (formerly Invitae), Labcorp
Classification: Uncertain significance for Cornelia de Lange syndrome 5. Last evaluated: 2023-07-07. Review status: criteria provided, single submitter. Criteria: Invitae Variant Classification Sherloc (09022015). Collection method: clinical testing. Allele origin: germline.
Comment: In summary, the available evidence is currently insufficient to determine the role of this variant in disease. Therefore, it has been classified as a Variant of Uncertain Significance. Variants that disrupt the consensus splice site are a relatively common cause of aberrant splicing (PMID: 17576681, 9536098). Algorithms developed to predict the effect of sequence changes on RNA splicing suggest that this variant may disrupt the consensus splice site. ClinVar contains an entry for this variant (Variation ID: 2030787). This variant has not been reported in the literature in individuals affected with HDAC8-related conditions. This variant is not present in population databases (gnomAD no frequency). This sequence change falls in intron 9 of the HDAC8 gene. It does not directly change the encoded amino acid sequence of the HDAC8 protein. It affects a nucleotide within the consensus splice site.

Literature cited by the submitters: PubMed 17576681; PubMed 9536098.